The following is an entry in ClinVar:

ClinVar aggregate classification (germline): Uncertain significance (1 of 4 stars; one submission).

Submission:

GeneDx
Classification: Uncertain significance. Last evaluated: 2025-04-04. Review status: criteria provided, single submitter. Criteria: GeneDx Variant Classification Process June 2021. Collection method: clinical testing. Allele origin: germline. Affected: yes.
Comment: In silico analysis supports that this missense variant has a deleterious effect on protein structure/function; Not observed at significant frequency in large population cohorts (gnomAD); This variant is associated with the following publications: (PMID: 35982159, 33057194)

NM_032217.5(ANKRD17):c.4366G>A (p.Ala1456Thr)

Gene: ANKRD17 (ankyrin repeat domain 17; minus strand). Cytogenetic location: 4q13.3.
Variant type: single nucleotide variant.
Coding change: c.4366G>A on transcript NM_032217.5 (MANE Select); coding-DNA position 4366, G replaced by A.
Protein change: p.Ala1456Thr; replaces alanine 1456 with threonine.
Molecular consequence: missense variant.
Genome position (GRCh38, 1-based): chr4:73,113,827, C>T on the plus strand (G>A on the coding strand, the complement: ANKRD17 is on the minus strand). VCF-style: chr4-73113827-C-T. GRCh37 (hg19) VCF-style: chr4-73979544-C-T.
Other names: c.4027G>A, p.Ala1343Thr (NM_001286771.3); c.4363G>A, p.Ala1455Thr (NM_015574.2); c.3613G>A, p.Ala1205Thr (NM_198889.3); short protein forms A1205T, A1343T, A1455T, A1456T.
Identifiers: ClinVar variation 4278621 (VCV004278621.1).
Genomic context (GRCh38, chr4:73,113,827, plus strand): 5'-TTTCATGTGTAAAGATTATTGTTACCTTTTCCAAGTCTAACTCCTCTAACAAAATGCTGG[C>T]GTTTTTGTTTGCTTCAGCAGCCTGTCTATCTTTGGCTTGTACTATTGACTCCATACAAAG-3'
Protein context (NP_115593.3, residues 1446-1466): DRQAAEANKN[Ala1456Thr]SILLEELDLE